The following is an entry in ClinVar:

NM_001128840.3(CACNA1D):c.5623A>C (p.Asn1875His)

Gene: CACNA1D (calcium voltage-gated channel subunit alpha1 D; plus strand). Cytogenetic location: 3p21.1.
Variant type: single nucleotide variant.
Coding change: c.5623A>C on transcript NM_001128840.3 (MANE Select); coding-DNA position 5623, A replaced by C.
Protein change: p.Asn1875His; replaces asparagine 1875 with histidine.
Molecular consequence: missense variant.
Genome position (GRCh38, 1-based): chr3:53,805,020, A>C. VCF-style: chr3-53805020-A-C. GRCh37 (hg19) VCF-style: chr3-53839047-A-C.
Other names: c.5683A>C, p.Asn1895His (NM_000720.4); c.5551A>C, p.Asn1851His (NM_001128839.3); short protein forms N1851H, N1875H, N1895H.
Identifiers: ClinVar variation 4527337 (VCV004527337.1).
Genomic context (GRCh38, chr3:53,805,020, plus strand): 5'-CTGCCCTCCTCTCTGACCTCCAGGCAAAACTATGGCTACTACAGCAGATACCCAGGCAGA[A>C]ACATCGACTCTGAGAGGCCCCGAGGCTACCATCATCCCCAAGGATTCTTGGAGGACGATG-3'
Protein context (NP_001122312.1, residues 1865-1885): YGYYSRYPGR[Asn1875His]IDSERPRGYH

ClinVar aggregate classification (germline): Uncertain significance (1 of 4 stars; one submission).

Submission:

GeneDx
Classification: Uncertain significance. Last evaluated: 2025-04-28. Review status: criteria provided, single submitter. Criteria: GeneDx Variant Classification Process June 2021. Collection method: clinical testing. Allele origin: germline. Affected: yes.
Comment: Not observed at significant frequency in large population cohorts (gnomAD); In silico analysis indicates that this missense variant does not alter protein structure/function; Has not been previously published as pathogenic or benign to our knowledge